The following is an entry in ClinVar:

NM_004431.5(EPHA2):c.2033T>C (p.Leu678Pro)

Gene: EPHA2 (EPH receptor A2; minus strand). Cytogenetic location: 1p36.13.
Variant type: single nucleotide variant.
Coding change: c.2033T>C on transcript NM_004431.5 (MANE Select); coding-DNA position 2033, T replaced by C.
Protein change: p.Leu678Pro; replaces leucine 678 with proline.
Molecular consequence: missense variant.
Genome position (GRCh38, 1-based): chr1:16,133,200, A>G on the plus strand (T>C on the coding strand, the complement: EPHA2 is on the minus strand). VCF-style: chr1-16133200-A-G. GRCh37 (hg19) VCF-style: chr1-16459695-A-G.
Other names: c.1871T>C, p.Leu624Pro (NM_001329090.2); short protein forms L624P, L678P.
Identifiers: ClinVar variation 3252247 (VCV003252247.1), dbSNP rs2524554619.

ClinVar aggregate classification (germline): Uncertain significance (1 of 4 stars; one submission).

Submission:

GeneDx
Classification: Uncertain significance. Last evaluated: 2023-10-03. Review status: criteria provided, single submitter. Criteria: GeneDx Variant Classification Process June 2021. Collection method: clinical testing. Allele origin: germline. Affected: yes.
Comment: Not observed at significant frequency in large population cohorts (gnomAD); In silico analysis supports that this missense variant has a deleterious effect on protein structure/function; Has not been previously published as pathogenic or benign to our knowledge